The following is an entry in ClinVar:

ClinVar aggregate classification (germline): Uncertain significance (1 of 4 stars; one submission).

Conditions:
Leber congenital amaurosis 3 (LCA3). Also called: SPATA7-Related Retinitis Pigmentosa. Identifiers: MedGen C1858677, MONDO:0011415, OMIM 604232.

Allele frequency attached by ClinVar (database versions not stated): gnomAD 0.00001; TOPMed 0.00001; gnomAD exomes 0.00002.
gnomAD v4.1: 36 of 1,613,332 alleles (0.0022%); highest among the groups gnomAD compares: Non-Finnish European, 0.0028%; no homozygotes.

Submission:

Labcorp Genetics (formerly Invitae), Labcorp
Classification: Uncertain significance for Leber congenital amaurosis 3. Last evaluated: 2022-05-16. Review status: criteria provided, single submitter. Criteria: Invitae Variant Classification Sherloc (09022015). Collection method: clinical testing. Allele origin: germline.
Comment: In summary, the available evidence is currently insufficient to determine the role of this variant in disease. Therefore, it has been classified as a Variant of Uncertain Significance. Algorithms developed to predict the effect of missense changes on protein structure and function are either unavailable or do not agree on the potential impact of this missense change (SIFT: "Deleterious"; PolyPhen-2: "Probably Damaging"; Align-GVGD: "Class C0"). This variant has not been reported in the literature in individuals affected with SPATA7-related conditions. This variant is not present in population databases (gnomAD no frequency). This sequence change replaces asparagine, which is neutral and polar, with aspartic acid, which is acidic and polar, at codon 31 of the SPATA7 protein (p.Asn31Asp).

NM_018418.5(SPATA7):c.91A>G (p.Asn31Asp)

Gene: SPATA7 (spermatogenesis associated 7; plus strand). Cytogenetic location: 14q31.3.
Variant type: single nucleotide variant.
Coding change: c.91A>G on transcript NM_018418.5 (MANE Select); coding-DNA position 91, A replaced by G.
Protein change: p.Asn31Asp; replaces asparagine 31 with aspartic acid.
Molecular consequence: missense variant.
Genome position (GRCh38, 1-based): chr14:88,391,452, A>G. VCF-style: chr14-88391452-A-G. GRCh37 (hg19) VCF-style: chr14-88857796-A-G.
Other names: c.91A>G, p.Asn31Asp (NM_001040428.4); short protein forms N31D.
Identifiers: ClinVar variation 2175227 (VCV002175227.4), dbSNP rs1233711741, ClinGen allele CA390545441.
Genomic context (GRCh38, chr14:88,391,452, plus strand): 5'-TCTGTCCTTCCCAGATATGGTCCACCGTGCCTATTTAAAGGACACTTGAGCACCAAAAGT[A>G]ATGGTAAGTGAGGTGCTTAAAACGGCAGCTTTGTTAGAAGATTGTCTGAGTGTTTCCTTT-3'
Protein context (NP_060888.2, residues 21-41): LFKGHLSTKS[Asn31Asp]AFCTDSSSLR